The following is an entry in ClinVar:

NM_005157.6(ABL1):c.169G>A (p.Gly57Arg)

Gene: ABL1 (ABL proto-oncogene 1, non-receptor tyrosine kinase; plus strand). Cytogenetic location: 9q34.12.
Variant type: single nucleotide variant.
Coding change: c.169G>A on transcript NM_005157.6 (MANE Select); coding-DNA position 169, G replaced by A.
Protein change: p.Gly57Arg; replaces glycine 57 with arginine.
Molecular consequence: missense variant.
Genome position (GRCh38, 1-based): chr9:130,854,153, G>A. VCF-style: chr9-130854153-G-A. GRCh37 (hg19) VCF-style: chr9-133729540-G-A.
Other names: c.226G>A, p.Gly76Arg (NM_007313.3); short protein forms G57R, G76R.
Identifiers: ClinVar variation 2791895 (VCV002791895.3), dbSNP rs143047485, ClinGen allele CA5285170.

ClinVar aggregate classification (germline): Uncertain significance (1 of 4 stars; one submission).

Allele frequency attached by ClinVar (database versions not stated): gnomAD 0.00001; ExAC 0.00002; TOPMed 0.00002; ESP Exome Variant Server 0.00008.
gnomAD v4.1: 11 of 1,614,070 alleles (0.00068%); highest among the groups gnomAD compares: Non-Finnish European, 0.00093%; no homozygotes.

Submission:

Labcorp Genetics (formerly Invitae), Labcorp
Classification: Uncertain significance. Last evaluated: 2023-07-18. Review status: criteria provided, single submitter. Criteria: Invitae Variant Classification Sherloc (09022015). Collection method: clinical testing. Allele origin: germline.
Comment: In summary, the available evidence is currently insufficient to determine the role of this variant in disease. Therefore, it has been classified as a Variant of Uncertain Significance. Advanced modeling of protein sequence and biophysical properties (such as structural, functional, and spatial information, amino acid conservation, physicochemical variation, residue mobility, and thermodynamic stability) has been performed at Invitae for this missense variant, however the output from this modeling did not meet the statistical confidence thresholds required to predict the impact of this variant on ABL1 protein function. This variant has not been reported in the literature in individuals affected with ABL1-related conditions. This variant is present in population databases (rs143047485, gnomAD 0.003%). This sequence change replaces glycine, which is neutral and non-polar, with arginine, which is basic and polar, at codon 76 of the ABL1 protein (p.Gly76Arg).